The following is an entry in ClinVar:

ClinVar aggregate classification (germline): Uncertain significance. Review status: criteria provided, multiple submitters, no conflicts (2 of 4 stars). 4 submissions from 4 submitters: Uncertain significance (4). Last evaluated 2026-04-20.

Conditions:
Dilated cardiomyopathy 1W (CMD1W). Identifiers: Orphanet 154, MedGen C1969639, MONDO:0012667, OMIM 611407.
VCL-related disorder. Also called: VCL-related condition.
Cardiovascular phenotype. Identifiers: MedGen CN230736.

gnomAD v4.1: 2 of 1,614,170 alleles (0.00012%); highest among the groups gnomAD compares: Non-Finnish European, 0.00017%; no homozygotes.

Submissions (4):

PreventionGenetics, part of Exact Sciences
Classification: Uncertain significance for VCL-related condition. Last evaluated: 2026-04-20. Review status: criteria provided, single submitter. Criteria: ACMG Guidelines, 2015. Collection method: clinical testing. Allele origin: germline.
Comment: The VCL c.746A>G variant is predicted to result in the amino acid substitution p.Gln249Arg. To our knowledge, this variant has not been reported in the literature. This variant is reported in 0.00088% of alleles in individuals of European (Non-Finnish) descent in gnomAD. At this time, the clinical significance of this variant is uncertain due to the absence of conclusive functional and genetic evidence.

Labcorp Genetics (formerly Invitae), Labcorp
Classification: Uncertain significance for Dilated cardiomyopathy 1W. Last evaluated: 2025-10-21. Review status: criteria provided, single submitter. Criteria: Invitae Variant Classification Sherloc (09022015). Collection method: clinical testing. Allele origin: germline.
Comment: This sequence change replaces glutamine, which is neutral and polar, with arginine, which is basic and polar, at codon 249 of the VCL protein (p.Gln249Arg). This variant is not present in population databases (gnomAD no frequency). This variant has not been reported in the literature in individuals affected with VCL-related conditions. ClinVar contains an entry for this variant (Variation ID: 3710717). An algorithm developed to predict the effect of missense changes on protein structure and function (PolyPhen-2) suggests that this variant is likely to be disruptive. In summary, the available evidence is currently insufficient to determine the role of this variant in disease. Therefore, it has been classified as a Variant of Uncertain Significance.

Molecular Diagnostic Laboratory for Inherited Cardiovascular Disease, Montreal Heart Institute
Classification: Uncertain significance for Cardiovascular phenotype. Last evaluated: 2025-04-09. Review status: criteria provided, single submitter. Criteria: ACMG Guidelines, 2015. Collection method: clinical testing. Allele origin: germline. Affected: yes.
Comment: PM2, PP3

Blueprint Genetics
Classification: Uncertain significance. Last evaluated: 2024-08-30. Review status: criteria provided, single submitter. Criteria: ACMG Guidelines, 2015. Collection method: clinical testing. Allele origin: germline.

NM_014000.3(VCL):c.746A>G (p.Gln249Arg)

Gene: VCL (vinculin; plus strand). Cytogenetic location: 10q22.2.
Variant type: single nucleotide variant.
Coding change: c.746A>G on transcript NM_014000.3 (MANE Select); coding-DNA position 746, A replaced by G.
Protein change: p.Gln249Arg; replaces glutamine 249 with arginine.
Molecular consequence: missense variant.
Genome position (GRCh38, 1-based): chr10:74,074,866, A>G. VCF-style: chr10-74074866-A-G. GRCh37 (hg19) VCF-style: chr10-75834624-A-G.
Other names: c.746A>G, p.Gln249Arg (NM_003373.4); short protein forms Q249R.
Identifiers: ClinVar variation 3710717 (VCV003710717.5), dbSNP rs768692845.